The following is an entry in ClinVar:

NM_006393.3(NEBL):c.828G>A (p.Met276Ile)

Gene: NEBL (nebulette; minus strand). Cytogenetic location: 10p12.31.
Variant type: single nucleotide variant.
Coding change: c.828G>A on transcript NM_006393.3 (MANE Select); coding-DNA position 828, G replaced by A.
Protein change: p.Met276Ile; replaces methionine 276 with isoleucine.
Molecular consequence: missense variant. On other transcripts: intron variant (9).
Genome position (GRCh38, 1-based): chr10:20,858,315, C>T on the plus strand (G>A on the coding strand, the complement: NEBL is on the minus strand). VCF-style: chr10-20858315-C-T. GRCh37 (hg19) VCF-style: chr10-21147244-C-T.
Other names: c.250-45375G>A (NM_001377326.1, NM_001377327.1, NM_001377328.1); c.358-45375G>A (NM_213569.2, NM_001173484.2, NM_001377322.1); c.301-45375G>A (NM_001377324.1); c.292-45375G>A (NM_001377325.1); c.310-45375G>A (NM_001377323.1); short protein forms M276I.
Identifiers: ClinVar variation 2736592 (VCV002736592.3), dbSNP rs781062225, ClinGen allele CA5433082.

ClinVar aggregate classification (germline): Uncertain significance (1 of 4 stars; one submission).

Conditions:
Primary dilated cardiomyopathy (DCM). Also called: Dilated Cardiomyopathy. Identifiers: Orphanet 217604, MedGen C0007193, MeSH D002311, MONDO:0005021, HP:0001644. Inheritance: Various modes of inheritance.

Allele frequency attached by ClinVar (database versions not stated): gnomAD 0.00001; TOPMed 0.00001; ExAC 0.00007.
gnomAD v4.1: 9 of 1,608,840 alleles (0.00056%); highest among the groups gnomAD compares: East Asian, 0.02%; no homozygotes.

Submission:

Labcorp Genetics (formerly Invitae), Labcorp
Classification: Uncertain significance for Primary dilated cardiomyopathy. Last evaluated: 2024-07-24. Review status: criteria provided, single submitter. Criteria: Invitae Variant Classification Sherloc (09022015). Collection method: clinical testing. Allele origin: germline.
Comment: This sequence change replaces methionine, which is neutral and non-polar, with isoleucine, which is neutral and non-polar, at codon 276 of the NEBL protein (p.Met276Ile). This variant is present in population databases (rs781062225, gnomAD 0.09%), and has an allele count higher than expected for a pathogenic variant. This variant has not been reported in the literature in individuals affected with NEBL-related conditions. An algorithm developed to predict the effect of missense changes on protein structure and function outputs the following: PolyPhen-2: "Benign". The isoleucine amino acid residue is found in multiple mammalian species, which suggests that this missense change does not adversely affect protein function. In summary, the available evidence is currently insufficient to determine the role of this variant in disease. Therefore, it has been classified as a Variant of Uncertain Significance.